The following is an entry in ClinVar:

ClinVar aggregate classification (germline): Pathogenic. Review status: criteria provided, multiple submitters, no conflicts (2 of 4 stars). 4 submissions from 4 submitters: Pathogenic (4). Last evaluated 2026-04-10.

Conditions:
NSD1-related disorder. Also called: NSD1-related condition.

Submissions (4):

PreventionGenetics, part of Exact Sciences
Classification: Pathogenic for NSD1-related condition. Last evaluated: 2026-04-10. Review status: criteria provided, single submitter. Criteria: ACMG Guidelines, 2015. Collection method: clinical testing. Allele origin: germline.
Comment: The NSD1 c.5892+1G>T variant is predicted to disrupt the GT donor site and interfere with normal splicing. This variant has been reported in individuals with Sotos syndrome (for example, see Saugier-Veber et al. 2007. PubMed ID: 17565729; Castro et al. 2021. PubMed ID: 34405946). This variant has not been reported in a large population database (gnomAD), indicating this variant is rare. This variant is interpreted as pathogenic in the ClinVar database (Variation ID: 265497). Variants that disrupt the consensus splice donor site in NSD1 are expected to be pathogenic. This variant is interpreted as pathogenic.

Labcorp Genetics (formerly Invitae), Labcorp
Classification: Pathogenic. Last evaluated: 2024-08-02. Review status: criteria provided, single submitter. Criteria: Invitae Variant Classification Sherloc (09022015). Collection method: clinical testing. Allele origin: germline.
Comment: This sequence change affects a donor splice site in intron 18 of the NSD1 gene. It is expected to disrupt RNA splicing. Variants that disrupt the donor or acceptor splice site typically lead to a loss of protein function (PMID: 16199547), and loss-of-function variants in NSD1 are known to be pathogenic (PMID: 12464997, 14571271, 15942875, 16247291). This variant is not present in population databases (gnomAD no frequency). Disruption of this splice site has been observed in individual(s) with Sotos syndrome (PMID: 17565729). In at least one individual the variant was observed to be de novo. ClinVar contains an entry for this variant (Variation ID: 265497). Algorithms developed to predict the effect of sequence changes on RNA splicing suggest that this variant may disrupt the consensus splice site. For these reasons, this variant has been classified as Pathogenic.

GeneDx
Classification: Pathogenic. Last evaluated: 2023-11-27. Review status: criteria provided, single submitter. Criteria: GeneDx Variant Classification Process June 2021. Collection method: clinical testing. Allele origin: germline. Affected: yes.
Comment: Identified in multiple unrelated patients with NSD1-related Sotos syndrome referred for genetic testing at GeneDx and in published literature (PMID: 34405946); Canonical splice site variant predicted to result in a null allele in a gene for which loss of function is a known mechanism of disease; Not observed at significant frequency in large population cohorts (gnomAD); This variant is associated with the following publications: (PMID: 25525159, 17565729, 34405946)

Blueprint Genetics
Classification: Pathogenic for NSD1-related disorders. Last evaluated: 2019-10-10. Review status: criteria provided, single submitter. Criteria: ACMG Guidelines, 2015. Collection method: clinical testing. Allele origin: germline. Affected: yes. Observed: 1 variant allele.

Literature cited by the submitters: PubMed 16199547 (cited by Labcorp Genetics (formerly Invitae), Labcorp); PubMed 12464997 (cited by Labcorp Genetics (formerly Invitae), Labcorp); PubMed 14571271 (cited by Labcorp Genetics (formerly Invitae), Labcorp); PubMed 15942875 (cited by Labcorp Genetics (formerly Invitae), Labcorp); PubMed 16247291 (cited by Labcorp Genetics (formerly Invitae), Labcorp); PubMed 17565729 (cited by Labcorp Genetics (formerly Invitae), Labcorp).

NM_022455.5(NSD1):c.5892+1G>T

Gene: NSD1 (nuclear receptor binding SET domain protein 1; plus strand). Cytogenetic location: 5q35.3.
Variant type: single nucleotide variant.
Coding change: c.5892+1G>T on transcript NM_022455.5 (MANE Select); the canonical splice donor site of the intron after coding-DNA position 5892, G replaced by T.
Molecular consequence: splice donor variant.
Genome position (GRCh38, 1-based): chr5:177,280,835, G>T. VCF-style: chr5-177280835-G-T. GRCh37 (hg19) VCF-style: chr5-176707836-G-T.
Other names: c.5892+1G>T (NM_001409301.1, NM_001409302.1, NM_001409303.1); c.5472+1G>T (NM_001409304.1); c.5139+1G>T (NM_001409305.1); c.5130+1G>T (NM_001409306.1, NM_001409307.1); c.5019+1G>T (NM_001409308.1, NM_172349.5, NM_001409309.1 and 1 more transcripts).
Identifiers: ClinVar variation 265497 (VCV000265497.10), dbSNP rs886039579, ClinGen allele CA10588401.
Genomic context (GRCh38, chr5:177,280,835, plus strand): 5'-GAAATTTTCCGCACATTACAGCGGGGTTGGGGTCTACGGACAAAAACAGATATTAAAAAG[G>T]TTAGAAAAAGCTAAATTACCATATACTTTCTCCTCTTTGCAGTTGCTTGATATCATTGAT-3'